The following is an entry in ClinVar:

NM_031407.7(HUWE1):c.7514T>C (p.Ile2505Thr)

Gene: HUWE1 (HECT, UBA and WWE domain containing E3 ubiquitin protein ligase 1; minus strand). Cytogenetic location: Xp11.22.
Variant type: single nucleotide variant.
Coding change: c.7514T>C on transcript NM_031407.7 (MANE Select); coding-DNA position 7514, T replaced by C.
Protein change: p.Ile2505Thr; replaces isoleucine 2505 with threonine.
Molecular consequence: missense variant.
Genome position (GRCh38, 1-based): chrX:53,560,410, A>G on the plus strand (T>C on the coding strand, the complement: HUWE1 is on the minus strand). VCF-style: chrX-53560410-A-G. GRCh37 (hg19) VCF-style: chrX-53587371-A-G.
Other names: short protein forms I2505T.
Identifiers: ClinVar variation 1810476 (VCV001810476.2), dbSNP rs2523925921, ClinGen allele CA413156166.

ClinVar aggregate classification (germline): Uncertain significance (1 of 4 stars; one submission).

Submission:

GeneDx
Classification: Uncertain significance. Last evaluated: 2024-09-04. Review status: criteria provided, single submitter. Criteria: GeneDx Variant Classification Process June 2021. Collection method: clinical testing. Allele origin: germline.
Comment: Not observed at significant frequency in large population cohorts (gnomAD); In silico analysis supports that this missense variant does not alter protein structure/function; Has not been previously published as pathogenic or benign to our knowledge